The following is an entry in ClinVar:

ClinVar aggregate classification (germline): Benign. Review status: criteria provided, multiple submitters, no conflicts (2 of 4 stars). 7 submissions from 7 submitters: Benign (7). Last evaluated 2026-02-03.

Conditions:
Familial pulmonary capillary hemangiomatosis (PVOD2). Also called: Pulmonary venoocclusive disease 2, autosomal recessive; Pulmonary venoocclusive disease 2. Identifiers: Orphanet 199241, MedGen C0340848, MONDO:0009329, OMIM 234810.

Allele frequency attached by ClinVar (database versions not stated): ESP Exome Variant Server 0.89862; gnomAD 0.90627 and 0.90934; TOPMed 0.90934; gnomAD exomes 0.90968 and 0.87742; ExAC 0.91117; 1000 Genomes Project 30x 0.95987; 1000 Genomes Project 0.96006.
gnomAD v4.1: 1,420,057 of 1,611,938 alleles (88%); highest among the groups gnomAD compares: East Asian, 100%; 627,108 homozygotes.

Submissions (7):

Labcorp Genetics (formerly Invitae), Labcorp
Classification: Benign. Last evaluated: 2026-02-03. Review status: criteria provided, single submitter. Criteria: Invitae Variant Classification Sherloc (09022015). Collection method: clinical testing. Allele origin: germline.

ARUP Laboratories, Molecular Genetics and Genomics, ARUP Laboratories
Classification: Benign for Familial pulmonary capillary hemangiomatosis. Last evaluated: 2025-07-25. Review status: criteria provided, single submitter. Criteria: ARUP Molecular Germline Variant Investigation Process 2024. Collection method: clinical testing. Allele origin: germline.

Blueprint Genetics
Classification: Benign. Last evaluated: 2024-11-27. Review status: criteria provided, single submitter. Criteria: ACMG Guidelines, 2015. Collection method: clinical testing. Allele origin: germline.

Genome-Nilou Lab
Classification: Benign for Familial pulmonary capillary hemangiomatosis. Last evaluated: 2021-07-30. Review status: criteria provided, single submitter. Criteria: ACMG Guidelines, 2015. Collection method: clinical testing. Allele origin: germline. Affected: no.

GeneDx
Classification: Benign. Last evaluated: 2016-10-05. Review status: criteria provided, single submitter. Criteria: GeneDx Variant Classification (06012015). Collection method: clinical testing. Allele origin: germline. Affected: yes.
Comment: This variant is considered likely benign or benign based on one or more of the following criteria: it is a conservative change, it occurs at a poorly conserved position in the protein, it is predicted to be benign by multiple in silico algorithms, and/or has population frequency not consistent with disease.

Laboratory for Molecular Medicine, Mass General Brigham Personalized Medicine
Classification: Benign. Last evaluated: 2016-03-28. Review status: criteria provided, single submitter. Criteria: LMM Criteria. Collection method: clinical testing. Allele origin: germline.
Comment: Variant identified in a genome or exome case(s) and assessed due to predicted null impact of the variant or pathogenic assertions in the literature or databases. Disclaimer: This variant has not undergone full assessment. The following are preliminary notes: Frequency

Breakthrough Genomics
Classification: Benign. Review status: criteria provided, single submitter. Criteria: ACMG Guidelines, 2015. Collection method: not provided. Allele origin: germline. Inheritance: Autosomal recessive inheritance. Affected: yes.

NM_001013703.4(EIF2AK4):c.99T>C (p.Ile33=)

Genes: EIF2AK4 (eukaryotic translation initiation factor 2 alpha kinase 4; plus strand), LOC130056813 (ATAC-STARR-seq lymphoblastoid silent region 6314; plus strand). Cytogenetic location: 15q15.1.
Variant type: single nucleotide variant.
Coding change: c.99T>C on transcript NM_001013703.4 (MANE Select); coding-DNA position 99, T replaced by C.
Protein change: p.Ile33=; no amino-acid change (isoleucine 33 retained).
Molecular consequence: synonymous variant.
Genome position (GRCh38, 1-based): chr15:39,934,294, T>C. VCF-style: chr15-39934294-T-C. GRCh37 (hg19) VCF-style: chr15-40226495-T-C.
Identifiers: ClinVar variation 381178 (VCV000381178.26), dbSNP rs566792, ClinGen allele CA7473379.